The following is an entry in ClinVar:

ClinVar aggregate classification (germline): Uncertain significance (1 of 4 stars; one submission).

Allele frequency attached by ClinVar (database versions not stated): gnomAD exomes below 0.00001 and 0.00001; gnomAD 0.00001.
gnomAD v4.1: 5 of 1,606,678 alleles (0.00031%); highest among the groups gnomAD compares: Admixed American, 0.0083%; no homozygotes.

Submission:

Labcorp Genetics (formerly Invitae), Labcorp
Classification: Uncertain significance. Last evaluated: 2022-03-20. Review status: criteria provided, single submitter. Criteria: Invitae Variant Classification Sherloc (09022015). Collection method: clinical testing. Allele origin: germline.
Comment: This sequence change falls in intron 7 of the CAD gene. It does not directly change the encoded amino acid sequence of the CAD protein. It affects a nucleotide within the consensus splice site. This variant is present in population databases (no rsID available, gnomAD 0.01%). This variant has not been reported in the literature in individuals affected with CAD-related conditions. Variants that disrupt the consensus splice site are a relatively common cause of aberrant splicing (PMID: 17576681, 9536098). Algorithms developed to predict the effect of sequence changes on RNA splicing suggest that this variant is not likely to affect RNA splicing. In summary, the available evidence is currently insufficient to determine the role of this variant in disease. Therefore, it has been classified as a Variant of Uncertain Significance.

Literature cited by the submitters: PubMed 17576681; PubMed 9536098.

NM_004341.5(CAD):c.996-3T>C

Gene: CAD (carbamoyl-phosphate synthetase 2, aspartate transcarbamylase, and dihydroorotase; plus strand). Cytogenetic location: 2p23.3.
Variant type: single nucleotide variant.
Coding change: c.996-3T>C on transcript NM_004341.5 (MANE Select); 3 bases into the intron before coding-DNA position 996, T replaced by C.
Molecular consequence: intron variant.
Genome position (GRCh38, 1-based): chr2:27,223,914, T>C. VCF-style: chr2-27223914-T-C. GRCh37 (hg19) VCF-style: chr2-27446782-T-C.
Other names: c.996-3T>C (NM_001306079.2).
Identifiers: ClinVar variation 1473991 (VCV001473991.3), dbSNP rs1312541019, ClinGen allele CA531763851.